The following is an entry in ClinVar:

NM_000020.3(ACVRL1):c.625+2T>C

Gene: ACVRL1 (activin A receptor like type 1; plus strand). Cytogenetic location: 12q13.13.
Variant type: single nucleotide variant.
Coding change: c.625+2T>C on transcript NM_000020.3 (MANE Select); the canonical splice donor site of the intron after coding-DNA position 625, T replaced by C.
Molecular consequence: splice donor variant. On other transcripts: intron variant (6).
Genome position (GRCh38, 1-based): chr12:51,914,075, T>C. VCF-style: chr12-51914075-T-C. GRCh37 (hg19) VCF-style: chr12-52307859-T-C.
Other names: c.625+2T>C (NM_001406487.1, NM_001406488.1, NM_001077401.2 and 1 more transcripts); c.314-364T>C (NM_001406491.1, NM_001406490.1, NM_001406492.1 and 2 more transcripts); c.62-364T>C (NM_001406495.1).
Identifiers: ClinVar variation 641790 (VCV000641790.10), dbSNP rs1592223028, ClinGen allele CA384899937.

ClinVar aggregate classification (germline): Pathogenic/Likely pathogenic. Review status: criteria provided, multiple submitters, no conflicts (2 of 4 stars). 2 submissions from 2 submitters: Pathogenic (1); Likely pathogenic (1). Last evaluated 2021-10-08.

Conditions:
ACVRL1-related disorder. Also called: ACVRL1-related disorders; ACVRL1-related condition.
Telangiectasia, hereditary hemorrhagic, type 2 (HHT2). Also called: ACVRL1-Related Hereditary Hemorrhagic Telangiectasia; Telangiectasia, hereditary hemorrhagic, type II. Identifiers: Orphanet 774, MedGen C1838163, MONDO:0010880, OMIM 600376. Disease mechanism: loss of function.

Submissions (2):

Labcorp Genetics (formerly Invitae), Labcorp
Classification: Pathogenic for Telangiectasia, hereditary hemorrhagic, type 2. Last evaluated: 2021-10-08. Review status: criteria provided, single submitter. Criteria: Invitae Variant Classification Sherloc (09022015). Collection method: clinical testing. Allele origin: germline.
Comment: For these reasons, this variant has been classified as Pathogenic. Algorithms developed to predict the effect of sequence changes on RNA splicing suggest that this variant may disrupt the consensus splice site. Disruption of this splice site has been observed in individuals with hereditary hemorrhagic telangiectasia (PMID: 27291782; Invitae). This variant is not present in population databases (ExAC no frequency). This sequence change affects a donor splice site in intron 5 of the ACVRL1 gene. It is expected to disrupt RNA splicing. Variants that disrupt the donor or acceptor splice site typically lead to a loss of protein function (PMID: 16199547), and loss-of-function variants in ACVRL1 are known to be pathogenic (PMID: 15879500).

Blueprint Genetics
Classification: Likely pathogenic for ACVRL1-related disorders. Last evaluated: 2021-07-30. Review status: criteria provided, single submitter. Criteria: ACMG Guidelines, 2015. Collection method: clinical testing. Allele origin: germline. Affected: yes. Observed: 1 variant allele.

Literature cited by the submitters: PubMed 27291782 (cited by Labcorp Genetics (formerly Invitae), Labcorp); PubMed 16199547 (cited by Labcorp Genetics (formerly Invitae), Labcorp); PubMed 15879500 (cited by Labcorp Genetics (formerly Invitae), Labcorp).